The following is an entry in ClinVar:

NC_000017.10:g.(?_411907)_(440417_455111)dup

Gene: VPS53 (VPS53 subunit of GARP complex; minus strand). Cytogenetic location: 17p13.3.
Variant type: Duplication.
Identifiers: ClinVar variation 1677008 (VCV001677008.1).

ClinVar aggregate classification (germline): Uncertain significance (1 of 4 stars; one submission).

Submission:

Women's Health and Genetics/Laboratory Corporation of America, LabCorp
Classification: Uncertain significance. Last evaluated: 2022-03-04. Review status: criteria provided, single submitter. Criteria: LabCorp Variant Classification Summary - May 2015. Collection method: clinical testing. Allele origin: germline.
Comment: Variant summary: The variant identified by MLPA or other technology involves the duplication of the last 5 exons (exons 18-22) in the VPS53 gene. A presumed nomenclature of c.(1866+1_1867-1)_(*10461_?)dup has been designated for the purposes of this classification. It has been assumed that this is a tandem duplication in direct orientation (Richardson_GIM_2018, Newman_AJHG_2015). The variant allele was found at a frequency of 4.6e-05 in 21690 control chromosomes (gnomAD, Structural Variants dataset). The available data on variant occurrences in the general population are insufficient to allow any conclusion about variant significance. To our knowledge, no occurrence of c.(1866+1_1867-1)_(*10461_?)dup in individuals affected with Pontocerebellar Hypoplasia, Type 2E and no experimental evidence demonstrating its impact on protein function have been reported. No clinical diagnostic laboratories have submitted clinical-significance assessments for this variant to ClinVar after 2014. Based on the evidence outlined above, the variant was classified as uncertain significance.